The following is an entry in ClinVar:

NM_001353921.2(ARHGEF9):c.296G>C (p.Cys99Ser)

Gene: ARHGEF9 (Cdc42 guanine nucleotide exchange factor 9; minus strand). Cytogenetic location: Xq11.1.
Variant type: single nucleotide variant.
Coding change: c.296G>C on transcript NM_001353921.2 (MANE Select); coding-DNA position 296, G replaced by C.
Protein change: p.Cys99Ser; replaces cysteine 99 with serine.
Molecular consequence: missense variant. On other transcripts: 5 prime UTR variant (3).
Genome position (GRCh38, 1-based): chrX:63,706,364, C>G on the plus strand (G>C on the coding strand, the complement: ARHGEF9 is on the minus strand). VCF-style: chrX-63706364-C-G. GRCh37 (hg19) VCF-style: chrX-62926244-C-G.
Other names: c.116G>C, p.Cys39Ser (NM_001173479.2); c.-32G>C (NM_001173480.2, NM_001369042.1); c.212G>C, p.Cys71Ser (NM_001330495.2, NM_001353927.2, NM_001369033.1 and 8 more transcripts); c.296G>C, p.Cys99Ser (NM_001353922.2); c.314G>C, p.Cys105Ser (NM_001353923.1); c.95G>C, p.Cys32Ser (NM_001353924.2, NM_001353926.2, NM_001369039.1 and 1 more transcripts); c.275G>C, p.Cys92Ser (NM_001353928.2, NM_001369030.1, NM_001369031.1 and 2 more transcripts); c.-408G>C (NM_001369045.1); short protein forms C105S, C71S, C92S, C32S, C39S, C99S.
Identifiers: ClinVar variation 2080804 (VCV002080804.4), dbSNP rs2519903878, ClinGen allele CA413402109.

ClinVar aggregate classification (germline): Uncertain significance (1 of 4 stars; one submission).

Conditions:
Developmental and epileptic encephalopathy, 8 (DEE8). Also called: HYPEREKPLEXIA AND EPILEPSY. Identifiers: Orphanet 163985, Orphanet 2076, MedGen C1845102, MONDO:0010375, OMIM 300607.

Submission:

Labcorp Genetics (formerly Invitae), Labcorp
Classification: Uncertain significance for Developmental and epileptic encephalopathy, 8. Last evaluated: 2024-10-26. Review status: criteria provided, single submitter. Criteria: Invitae Variant Classification Sherloc (09022015). Collection method: clinical testing. Allele origin: germline.
Comment: This sequence change replaces cysteine, which is neutral and slightly polar, with serine, which is neutral and polar, at codon 92 of the ARHGEF9 protein (p.Cys92Ser). This variant is not present in population databases (gnomAD no frequency). This variant has not been reported in the literature in individuals affected with ARHGEF9-related conditions. ClinVar contains an entry for this variant (Variation ID: 2080804). Invitae Evidence Modeling of protein sequence and biophysical properties (such as structural, functional, and spatial information, amino acid conservation, physicochemical variation, residue mobility, and thermodynamic stability) indicates that this missense variant is not expected to disrupt ARHGEF9 protein function with a negative predictive value of 95%. In summary, the available evidence is currently insufficient to determine the role of this variant in disease. Therefore, it has been classified as a Variant of Uncertain Significance.